The following is an entry in ClinVar:

NM_006517.5(SLC16A2):c.16C>T (p.Gln6Ter)

Gene: SLC16A2 (solute carrier family 16 member 2; plus strand). Cytogenetic location: Xq13.2.
Variant type: single nucleotide variant.
Coding change: c.16C>T on transcript NM_006517.5 (MANE Select); coding-DNA position 16, C replaced by T.
Protein change: p.Gln6Ter; replaces glutamine 6 with a stop codon.
Molecular consequence: nonsense.
Genome position (GRCh38, 1-based): chrX:74,421,653, C>T. VCF-style: chrX-74421653-C-T. GRCh37 (hg19) VCF-style: chrX-73641488-C-T.
Other names: short protein forms Q6*.
Identifiers: ClinVar variation 2632248 (VCV002632248.1), dbSNP rs1313277352, ClinGen allele CA413655583.
Genomic context (GRCh38, chrX:74,421,653, plus strand): 5'-CAAAGCGGCTCCTCTGGCCCAAGCAGCCACAGTCCCCCCGCCGCGATGGCGCTGCAAAGC[C>T]AGGCGAGCGAGGAAGCAAAGGGGCCCTGGCAGGAGGCAGACCAGGAACAGCAGGAGCCGG-3'

ClinVar aggregate classification (germline): Likely pathogenic (1 of 4 stars; one submission).

Conditions:
SLC16A2-related disorder. Also called: SLC16A2-related condition.

Submission:

PreventionGenetics, part of Exact Sciences
Classification: Likely pathogenic for SLC16A2-related condition. Last evaluated: 2023-06-17. Review status: criteria provided, single submitter. Criteria: ACMG Guidelines, 2015. Collection method: clinical testing. Allele origin: germline.
Comment: The SLC16A2 c.16C>T variant is predicted to result in premature protein termination (p.Gln6*). To our knowledge, this variant has not been reported in the literature or in a large population database, indicating this variant is rare. Nonsense variants in SLC16A2 are expected to be pathogenic. This variant is interpreted as likely pathogenic.